The following is an entry in ClinVar:

NM_000070.3(CAPN3):c.2128G>A (p.Gly710Arg)

Gene: CAPN3 (calpain 3; plus strand). Cytogenetic location: 15q15.1.
Variant type: single nucleotide variant.
Coding change: c.2128G>A on transcript NM_000070.3 (MANE Select); coding-DNA position 2128, G replaced by A.
Protein change: p.Gly710Arg; replaces glycine 710 with arginine.
Molecular consequence: missense variant.
Genome position (GRCh38, 1-based): chr15:42,410,440, G>A. VCF-style: chr15-42410440-G-A. GRCh37 (hg19) VCF-style: chr15-42702638-G-A.
Other names: c.592G>A, p.Gly198Arg (NM_173088.2); c.133G>A, p.Gly45Arg (NM_173089.2, NM_173090.2); c.2110G>A, p.Gly704Arg (NM_024344.2); c.1852G>A, p.Gly618Arg (NM_173087.2); short protein forms G198R, G45R, G618R, G704R, G710R.
Identifiers: ClinVar variation 4798099 (VCV004798099.1).

ClinVar aggregate classification (germline): Uncertain significance (1 of 4 stars; one submission).

Conditions:
Autosomal recessive limb-girdle muscular dystrophy type 2A (LGMDR1). Also called: LEYDEN-MOEBIUS MUSCULAR DYSTROPHY; MUSCULAR DYSTROPHY, PELVOFEMORAL; Limb-girdle muscular dystrophy, type 2A; Calpainopathy; Muscular dystrophy, limb-girdle, type 2A, Amish. Identifiers: Orphanet 267, MedGen C1869123, MONDO:0009675, OMIM 253600. Disease mechanism: loss of function.

Submission:

Labcorp Genetics (formerly Invitae), Labcorp
Classification: Uncertain significance for Autosomal recessive limb-girdle muscular dystrophy type 2A. Last evaluated: 2026-01-17. Review status: criteria provided, single submitter. Criteria: Invitae Variant Classification Sherloc (09022015). Collection method: clinical testing. Allele origin: germline.
Comment: This sequence change replaces glycine, which is neutral and non-polar, with arginine, which is basic and polar, at codon 710 of the CAPN3 protein (p.Gly710Arg). This variant is not present in population databases (gnomAD no frequency). This variant has not been reported in the literature in individuals affected with CAPN3-related conditions. Invitae Evidence Modeling of protein sequence and biophysical properties (such as structural, functional, and spatial information, amino acid conservation, physicochemical variation, residue mobility, and thermodynamic stability) indicates that this missense variant is not expected to disrupt CAPN3 protein function with a negative predictive value of 80%. Algorithms developed to predict the effect of sequence changes on RNA splicing suggest that this variant may disrupt the consensus splice site. In summary, the available evidence is currently insufficient to determine the role of this variant in disease. Therefore, it has been classified as a Variant of Uncertain Significance.